The following is an entry in ClinVar:

ClinVar aggregate classification (germline): Uncertain significance. Review status: criteria provided, multiple submitters, no conflicts (2 of 4 stars). 2 submissions from 2 submitters: Uncertain significance (2). Last evaluated 2023-11-02.

Allele frequency attached by ClinVar (database versions not stated): TOPMed below 0.00001; gnomAD exomes 0.00001; ExAC 0.00005.
gnomAD v4.1: 19 of 1,614,174 alleles (0.0012%); highest among the groups gnomAD compares: Admixed American, 0.0017%; no homozygotes.

Submissions (2):

Labcorp Genetics (formerly Invitae), Labcorp
Classification: Uncertain significance. Last evaluated: 2023-11-02. Review status: criteria provided, single submitter. Criteria: Invitae Variant Classification Sherloc (09022015). Collection method: clinical testing. Allele origin: germline.
Comment: This sequence change replaces tyrosine, which is neutral and polar, with histidine, which is basic and polar, at codon 635 of the NLRP1 protein (p.Tyr635His). This variant is present in population databases (rs765241865, gnomAD 0.004%). This variant has not been reported in the literature in individuals affected with NLRP1-related conditions. An algorithm developed to predict the effect of missense changes on protein structure and function (PolyPhen-2) suggests that this variant is likely to be tolerated. In summary, the available evidence is currently insufficient to determine the role of this variant in disease. Therefore, it has been classified as a Variant of Uncertain Significance.

Blueprint Genetics
Classification: Uncertain significance. Last evaluated: 2023-04-13. Review status: criteria provided, single submitter. Criteria: ACMG Guidelines, 2015. Collection method: clinical testing. Allele origin: germline.

NM_033004.4(NLRP1):c.1903T>C (p.Tyr635His)

Gene: NLRP1 (NLR family pyrin domain containing 1; minus strand). Cytogenetic location: 17p13.2.
Variant type: single nucleotide variant.
Coding change: c.1903T>C on transcript NM_033004.4 (MANE Select); coding-DNA position 1903, T replaced by C.
Protein change: p.Tyr635His; replaces tyrosine 635 with histidine.
Molecular consequence: missense variant.
Genome position (GRCh38, 1-based): chr17:5,558,793, A>G on the plus strand (T>C on the coding strand, the complement: NLRP1 is on the minus strand). VCF-style: chr17-5558793-A-G. GRCh37 (hg19) VCF-style: chr17-5462113-A-G.
Other names: c.1903T>C, p.Tyr635His (NM_001033053.3, NM_014922.5, NM_033006.4 and 1 more transcripts); short protein forms Y635H.
Identifiers: ClinVar variation 2997327 (VCV002997327.4), dbSNP rs765241865, ClinGen allele CA8327307.